The following is an entry in ClinVar:

NM_001134363.3(RBM20):c.716C>T (p.Thr239Ile)

Gene: RBM20 (RNA binding motif protein 20; plus strand). Cytogenetic location: 10q25.2.
Variant type: single nucleotide variant.
Coding change: c.716C>T on transcript NM_001134363.3 (MANE Select); coding-DNA position 716, C replaced by T.
Protein change: p.Thr239Ile; replaces threonine 239 with isoleucine.
Molecular consequence: missense variant.
Genome position (GRCh38, 1-based): chr10:110,781,325, C>T. VCF-style: chr10-110781325-C-T. GRCh37 (hg19) VCF-style: chr10-112541083-C-T.
Other names: short protein forms T239I.
Identifiers: ClinVar variation 4151603 (VCV004151603.3).

ClinVar aggregate classification (germline): Uncertain significance. Review status: criteria provided, multiple submitters, no conflicts (2 of 4 stars). 2 submissions from 2 submitters: Uncertain significance (2). Last evaluated 2026-09-11.

Conditions:
Dilated cardiomyopathy 1DD (CMD1DD). Identifiers: Orphanet 154, MedGen C2750995, MONDO:0013168, OMIM 613172.
Cardiovascular phenotype. Identifiers: MedGen CN230736.

gnomAD v4.1: 5 of 1,551,626 alleles (0.00032%); highest among the groups gnomAD compares: Non-Finnish European, 0.00044%; no homozygotes.

Submissions (2):

Ambry Genetics
Classification: Uncertain significance for Cardiovascular phenotype. Last evaluated: 2026-09-11. Review status: criteria provided, single submitter. Criteria: Ambry Variant Classification Scheme 2023. Collection method: clinical testing. Allele origin: germline.
Comment: The p.T239I variant (also known as c.716C>T), located in coding exon 2 of the RBM20 gene, results from a C to T substitution at nucleotide position 716. The threonine at codon 239 is replaced by isoleucine, an amino acid with similar properties. This amino acid position is conserved. In addition, this alteration is predicted to be tolerated by in silico analysis. Based on the available evidence, the clinical significance of this variant remains unclear.

Labcorp Genetics (formerly Invitae), Labcorp
Classification: Uncertain significance for Dilated cardiomyopathy 1DD. Last evaluated: 2025-10-07. Review status: criteria provided, single submitter. Criteria: Invitae Variant Classification Sherloc (09022015). Collection method: clinical testing. Allele origin: germline.
Comment: This sequence change replaces threonine, which is neutral and polar, with isoleucine, which is neutral and non-polar, at codon 239 of the RBM20 protein (p.Thr239Ile). This variant is present in population databases (no rsID available, gnomAD 0.007%). This variant has not been reported in the literature in individuals affected with RBM20-related conditions. Invitae Evidence Modeling of protein sequence and biophysical properties (such as structural, functional, and spatial information, amino acid conservation, physicochemical variation, residue mobility, and thermodynamic stability) indicates that this missense variant is not expected to disrupt RBM20 protein function with a negative predictive value of 95%. In summary, the available evidence is currently insufficient to determine the role of this variant in disease. Therefore, it has been classified as a Variant of Uncertain Significance.